The following is an entry in ClinVar:

NM_000481.4(AMT):c.189C>G (p.Asp63Glu)

Gene: AMT (aminomethyltransferase; minus strand). Cytogenetic location: 3p21.31.
Variant type: single nucleotide variant.
Coding change: c.189C>G on transcript NM_000481.4 (MANE Select); coding-DNA position 189, C replaced by G.
Protein change: p.Asp63Glu; replaces aspartic acid 63 with glutamic acid.
Molecular consequence: missense variant. On other transcripts: non-coding transcript variant (1), intron variant (1).
Genome position (GRCh38, 1-based): chr3:49,422,173, G>C on the plus strand (C>G on the coding strand, the complement: AMT is on the minus strand). VCF-style: chr3-49422173-G-C. GRCh37 (hg19) VCF-style: chr3-49459606-G-C.
Other names: c.189C>G, p.Asp63Glu (NM_001164710.2, NM_001164712.2); c.90+188C>G (NM_001164711.2); short protein forms D63E.
Identifiers: ClinVar variation 1998272 (VCV001998272.4), dbSNP rs2471160708, ClinGen allele CA352791153.

ClinVar aggregate classification (germline): Uncertain significance (1 of 4 stars; one submission).

Conditions:
Glycine encephalopathy. Also called: Nonketotic hyperglycinemia; Non-ketotic hyperglycinemia. Identifiers: Orphanet 407, MedGen C0751748, MONDO:0011612, HP:0008288.

Submission:

Labcorp Genetics (formerly Invitae), Labcorp
Classification: Uncertain significance for Glycine encephalopathy. Last evaluated: 2022-09-01. Review status: criteria provided, single submitter. Criteria: Invitae Variant Classification Sherloc (09022015). Collection method: clinical testing. Allele origin: germline.
Comment: This variant has not been reported in the literature in individuals affected with AMT-related conditions. Advanced modeling of protein sequence and biophysical properties (such as structural, functional, and spatial information, amino acid conservation, physicochemical variation, residue mobility, and thermodynamic stability) performed at Invitae indicates that this missense variant is not expected to disrupt AMT protein function. In summary, the available evidence is currently insufficient to determine the role of this variant in disease. Therefore, it has been classified as a Variant of Uncertain Significance. This variant is not present in population databases (gnomAD no frequency). This sequence change replaces aspartic acid, which is acidic and polar, with glutamic acid, which is acidic and polar, at codon 63 of the AMT protein (p.Asp63Glu).